The following is an entry in ClinVar:

ClinVar aggregate classification (germline): Uncertain significance. Review status: criteria provided, multiple submitters, no conflicts (2 of 4 stars). 2 submissions from 2 submitters: Uncertain significance (2). Last evaluated 2025-01-20.

Allele frequency attached by ClinVar (database versions not stated): ExAC 0.00004; gnomAD exomes 0.00004; TOPMed 0.00014; gnomAD 0.00021; ESP Exome Variant Server 0.00023.
gnomAD v4.1: 149 of 1,614,164 alleles (0.0092%); highest among the groups gnomAD compares: African/African-American, 0.1%; 4 homozygotes.

Submissions (2):

Labcorp Genetics (formerly Invitae), Labcorp
Classification: Uncertain significance. Last evaluated: 2025-01-20. Review status: criteria provided, single submitter. Criteria: Invitae Variant Classification Sherloc (09022015). Collection method: clinical testing. Allele origin: germline.
Comment: This sequence change replaces valine, which is neutral and non-polar, with isoleucine, which is neutral and non-polar, at codon 453 of the ITGB3 protein (p.Val453Ile). This variant is present in population databases (rs5921, gnomAD 0.04%). This variant has not been reported in the literature in individuals affected with ITGB3-related conditions. ClinVar contains an entry for this variant (Variation ID: 1996698). Invitae Evidence Modeling of protein sequence and biophysical properties (such as structural, functional, and spatial information, amino acid conservation, physicochemical variation, residue mobility, and thermodynamic stability) indicates that this missense variant is not expected to disrupt ITGB3 protein function with a negative predictive value of 95%. In summary, the available evidence is currently insufficient to determine the role of this variant in disease. Therefore, it has been classified as a Variant of Uncertain Significance.

Blueprint Genetics
Classification: Uncertain significance. Last evaluated: 2024-11-05. Review status: criteria provided, single submitter. Criteria: ACMG Guidelines, 2015. Collection method: clinical testing. Allele origin: germline.

NM_000212.3(ITGB3):c.1357G>A (p.Val453Ile)

Gene: ITGB3 (integrin subunit beta 3; plus strand). Cytogenetic location: 17q21.32.
Variant type: single nucleotide variant.
Coding change: c.1357G>A on transcript NM_000212.3 (MANE Select); coding-DNA position 1357, G replaced by A.
Protein change: p.Val453Ile; replaces valine 453 with isoleucine.
Molecular consequence: missense variant.
Genome position (GRCh38, 1-based): chr17:47,292,235, G>A. VCF-style: chr17-47292235-G-A. GRCh37 (hg19) VCF-style: chr17-45369601-G-A.
Other names: short protein forms V453I.
Identifiers: ClinVar variation 1996698 (VCV001996698.3), dbSNP rs5921, ClinGen allele CA8623249.